The following is an entry in ClinVar:

ClinVar aggregate classification (germline): Uncertain significance (1 of 4 stars; one submission).

Conditions:
Hereditary cancer-predisposing syndrome. Also called: Neoplastic Syndromes, Hereditary; Tumor predisposition; Hereditary neoplastic syndrome; Hereditary Cancer Syndrome. Identifiers: Orphanet 140162, MedGen C0027672, MeSH D009386, MONDO:0015356.

Submission:

Ambry Genetics
Classification: Uncertain significance for Hereditary cancer-predisposing syndrome. Last evaluated: 2026-07-06. Review status: criteria provided, single submitter. Criteria: Ambry Variant Classification Scheme 2023. Collection method: clinical testing. Allele origin: germline.
Comment: The p.P46S variant (also known as c.136C>T), located in coding exon 1 of the PRKAR1A gene, results from a C to T substitution at nucleotide position 136. The proline at codon 46 is replaced by serine, an amino acid with similar properties. This amino acid position is conserved. In addition, this alteration is predicted to be deleterious by in silico analysis. Based on the available evidence, the clinical significance of this variant remains unclear.

NM_002734.5(PRKAR1A):c.136C>T (p.Pro46Ser)

Gene: PRKAR1A (protein kinase cAMP-dependent type I regulatory subunit alpha; plus strand). Cytogenetic location: 17q24.2.
Variant type: single nucleotide variant.
Coding change: c.136C>T on transcript NM_002734.5 (MANE Select); coding-DNA position 136, C replaced by T.
Protein change: p.Pro46Ser; replaces proline 46 with serine.
Molecular consequence: missense variant.
Genome position (GRCh38, 1-based): chr17:68,515,535, C>T. VCF-style: chr17-68515535-C-T. GRCh37 (hg19) VCF-style: chr17-66511676-C-T.
Other names: c.136C>T, p.Pro46Ser (NM_001276289.2, NM_001276290.1, NM_001278433.2 and 4 more transcripts); short protein forms P46S.
Identifiers: ClinVar variation 5027289 (VCV005027289.1).